The following is an entry in ClinVar:

NM_145064.3(STAC3):c.297_301del (p.Pro100fs)

Gene: STAC3 (SH3 and cysteine rich domain 3; minus strand). Cytogenetic location: 12q13.3.
Variant type: Deletion.
Coding change: c.297_301del on transcript NM_145064.3 (MANE Select); coding-DNA positions 297 to 301, 5 bases deleted (GCCAA; older notation c.297_301delGCCAA).
Protein change: p.Pro100fs; shifts the reading frame from proline 100.
Molecular consequence: frameshift variant. On other transcripts: intron variant (1).
Genome position (GRCh38, 1-based): chr12:57,249,074-57,249,078, TTGGC deleted on the plus strand (GCCAA on the coding strand, the reverse complement: STAC3 is on the minus strand); deleting any 5 consecutive bases within chr12:57,249,074-57,249,080 gives the same sequence; the c. name uses the placement nearest the transcript's 3' end. VCF-style (leftmost placement, unchanged base first): chr12-57249073-TTTGGC-T. GRCh37 (hg19) VCF-style: chr12-57642856-TTTGGC-T.
Other names: c.180_184del, p.Pro61fs (NM_001286256.2); c.-126-880_-126-876del (NM_001286257.2); short protein forms P100fs, P61fs.
Identifiers: ClinVar variation 2742179 (VCV002742179.3), dbSNP rs2548121140, ClinGen allele CA2575200691.
Genomic context (GRCh38, chr12:57,249,073, plus strand): 5'-ACTCTCTTCACTTCCCTTCATGACTCACGAACAATCATCCGGGCACAGACATCACAGAAC[TTTGGC>T]TTCTTGAAGAAGTGATCTTTGAATTTGTGGGGCTTATCGTTGACCAGCTTAGGAGGTTCT-3'

ClinVar aggregate classification (germline): Pathogenic (1 of 4 stars; one submission).

Conditions:
Bailey-Bloch congenital myopathy (CMYO13). Also called: STAC3 disorder; Native American myopathy; Congenital myopathy 13. Identifiers: Orphanet 168572, MedGen C1850625, MONDO:0009722, OMIM 255995.

Submission:

Labcorp Genetics (formerly Invitae), Labcorp
Classification: Pathogenic for Bailey-Bloch congenital myopathy. Last evaluated: 2025-07-28. Review status: criteria provided, single submitter. Criteria: Invitae Variant Classification Sherloc (09022015). Collection method: clinical testing. Allele origin: germline.
Comment: This sequence change creates a premature translational stop signal (p.Pro100Valfs*3) in the STAC3 gene. It is expected to result in an absent or disrupted protein product. Loss-of-function variants in STAC3 are known to be pathogenic (PMID: 28411587, 28777491). This variant is not present in population databases (gnomAD no frequency). This variant has not been reported in the literature in individuals affected with STAC3-related conditions. ClinVar contains an entry for this variant (Variation ID: 2742179). Algorithms developed to predict the effect of sequence changes on RNA splicing suggest that this variant may disrupt the consensus splice site. For these reasons, this variant has been classified as Pathogenic.

Literature cited by the submitters: PubMed 28411587; PubMed 28777491.